The following is an entry in ClinVar:

ClinVar aggregate classification (germline): Uncertain significance. Review status: criteria provided, multiple submitters, no conflicts (2 of 4 stars). 2 submissions from 2 submitters: Uncertain significance (2). Last evaluated 2024-06-08.

Conditions:
Mosaic variegated aneuploidy syndrome 1 (MVA1). Also called: Warburton-Anyane-Yeboa syndrome. Identifiers: Orphanet 1052, MedGen C1850343, MONDO:0009759, OMIM 257300.
Inborn genetic diseases. Identifiers: MedGen C0950123, MeSH D030342.

Allele frequency attached by ClinVar (database versions not stated): TOPMed below 0.00001; gnomAD 0.00001.
gnomAD v4.1: 18 of 1,614,066 alleles (0.0011%); highest among the groups gnomAD compares: Non-Finnish European, 0.0014%; no homozygotes.

Submissions (2):

Labcorp Genetics (formerly Invitae), Labcorp
Classification: Uncertain significance for Mosaic variegated aneuploidy syndrome 1. Last evaluated: 2024-06-08. Review status: criteria provided, single submitter. Criteria: Invitae Variant Classification Sherloc (09022015). Collection method: clinical testing. Allele origin: germline.
Comment: This sequence change replaces glycine, which is neutral and non-polar, with valine, which is neutral and non-polar, at codon 657 of the BUB1B protein (p.Gly657Val). This variant is present in population databases (no rsID available, gnomAD 0.003%). This variant has not been reported in the literature in individuals affected with BUB1B-related conditions. ClinVar contains an entry for this variant (Variation ID: 1783619). An algorithm developed to predict the effect of missense changes on protein structure and function (PolyPhen-2) suggests that this variant is likely to be tolerated. In summary, the available evidence is currently insufficient to determine the role of this variant in disease. Therefore, it has been classified as a Variant of Uncertain Significance.

Ambry Genetics
Classification: Uncertain significance for Inborn genetic diseases. Last evaluated: 2021-09-22. Review status: criteria provided, single submitter. Criteria: Ambry Variant Classification Scheme 2023. Collection method: clinical testing. Allele origin: germline.
Comment: The p.G657V variant (also known as c.1970G>T), located in coding exon 15 of the BUB1B gene, results from a G to T substitution at nucleotide position 1970. The glycine at codon 657 is replaced by valine, an amino acid with dissimilar properties. This amino acid position is conserved. In addition, this alteration is predicted to be tolerated by in silico analysis. Since supporting evidence is limited at this time, the clinical significance of this alteration remains unclear.

NM_001211.6(BUB1B):c.1970G>T (p.Gly657Val)

Gene: BUB1B (BUB1 mitotic checkpoint serine/threonine kinase B; plus strand). Cytogenetic location: 15q15.1.
Variant type: single nucleotide variant.
Coding change: c.1970G>T on transcript NM_001211.6 (MANE Select); coding-DNA position 1970, G replaced by T.
Protein change: p.Gly657Val; replaces glycine 657 with valine.
Molecular consequence: missense variant.
Genome position (GRCh38, 1-based): chr15:40,206,419, G>T. VCF-style: chr15-40206419-G-T. GRCh37 (hg19) VCF-style: chr15-40498620-G-T.
Other names: short protein forms G657V.
Identifiers: ClinVar variation 1783619 (VCV001783619.4), dbSNP rs939783067, ClinGen allele CA268798153.